The following is an entry in ClinVar:

ClinVar aggregate classification (germline): Uncertain significance (1 of 4 stars; one submission).

Conditions:
Hereditary sensory neuropathy-deafness-dementia syndrome. Also called: HSN IE; NEUROPATHY, HEREDITARY SENSORY, WITH HEARING LOSS AND DEMENTIA; Hereditary Sensory and Autonomic Neuropathy Type 1E (HSAN1E); Hereditary sensory neuropathy type IE. Identifiers: Orphanet 456318, MedGen C3279885, MONDO:0013584, OMIM 614116.

Submission:

Labcorp Genetics (formerly Invitae), Labcorp
Classification: Uncertain significance for Hereditary sensory neuropathy-deafness-dementia syndrome. Last evaluated: 2023-02-22. Review status: criteria provided, single submitter. Criteria: Invitae Variant Classification Sherloc (09022015). Collection method: clinical testing. Allele origin: germline.
Comment: This variant has not been reported in the literature in individuals affected with DNMT1-related conditions. This variant is not present in population databases (gnomAD no frequency). This sequence change replaces alanine, which is neutral and non-polar, with threonine, which is neutral and polar, at codon 310 of the DNMT1 protein (p.Ala310Thr). In summary, the available evidence is currently insufficient to determine the role of this variant in disease. Therefore, it has been classified as a Variant of Uncertain Significance. Algorithms developed to predict the effect of missense changes on protein structure and function output the following: SIFT: "Not Available"; PolyPhen-2: "Benign"; Align-GVGD: "Not Available". The threonine amino acid residue is found in multiple mammalian species, which suggests that this missense change does not adversely affect protein function.

NM_001130823.3(DNMT1):c.928G>A (p.Ala310Thr)

Gene: DNMT1 (DNA methyltransferase 1; minus strand). Cytogenetic location: 19p13.2.
Variant type: single nucleotide variant.
Coding change: c.928G>A on transcript NM_001130823.3 (MANE Select); coding-DNA position 928, G replaced by A.
Protein change: p.Ala310Thr; replaces alanine 310 with threonine.
Molecular consequence: missense variant.
Genome position (GRCh38, 1-based): chr19:10,162,747, C>T on the plus strand (G>A on the coding strand, the complement: DNMT1 is on the minus strand). VCF-style: chr19-10162747-C-T. GRCh37 (hg19) VCF-style: chr19-10273423-C-T.
Other names: c.880G>A, p.Ala294Thr (NM_001318730.2, NM_001379.4); c.565G>A, p.Ala189Thr (NM_001318731.2); short protein forms A189T, A310T, A294T.
Identifiers: ClinVar variation 2839733 (VCV002839733.3), dbSNP rs2513844891, ClinGen allele CA403940924.